The following is an entry in ClinVar:

ClinVar aggregate classification (germline): Uncertain significance (1 of 4 stars; one submission).

Conditions:
Developmental and epileptic encephalopathy, 1 (DEE1). Also called: INFANTILE SPASM SYNDROME, X-LINKED 1; X-linked infantile spasms; West's syndrome; Tonic spasms with clustering, arrest of psychomotor development and hypsarrhythmia on EEG; X-Linked Infantile Spasm Syndrome; OHTAHARA SYNDROME, X-LINKED. Identifiers: MedGen C3463992, MONDO:0010632, OMIM 308350. Disease mechanism: loss of function.
Autosomal recessive spinocerebellar ataxia 12. Also called: SPINOCEREBELLAR ATAXIA WITH MENTAL RETARDATION AND EPILEPSY. Identifiers: Orphanet 284282, MedGen C3280452, MONDO:0013687, OMIM 614322.

Allele frequency attached by ClinVar (database versions not stated): gnomAD exomes below 0.00001.
gnomAD v4.1: 1 of 1,614,212 alleles (0.000062%); highest among the groups gnomAD compares: Non-Finnish European, 0.000085%; no homozygotes.

Submission:

Labcorp Genetics (formerly Invitae), Labcorp
Classification: Uncertain significance for Developmental and epileptic encephalopathy, 1; Autosomal recessive spinocerebellar ataxia 12. Last evaluated: 2024-10-07. Review status: criteria provided, single submitter. Criteria: Invitae Variant Classification Sherloc (09022015). Collection method: clinical testing. Allele origin: germline.
Comment: This sequence change replaces asparagine, which is neutral and polar, with serine, which is neutral and polar, at codon 377 of the WWOX protein (p.Asn377Ser). This variant is not present in population databases (gnomAD no frequency). This variant has not been reported in the literature in individuals affected with WWOX-related conditions. Invitae Evidence Modeling of protein sequence and biophysical properties (such as structural, functional, and spatial information, amino acid conservation, physicochemical variation, residue mobility, and thermodynamic stability) indicates that this missense variant is not expected to disrupt WWOX protein function with a negative predictive value of 80%. In summary, the available evidence is currently insufficient to determine the role of this variant in disease. Therefore, it has been classified as a Variant of Uncertain Significance.

NM_016373.4(WWOX):c.1130A>G (p.Asn377Ser)

Genes: MAF (MAF bZIP transcription factor; minus strand), WWOX (WW domain containing oxidoreductase; plus strand). Cytogenetic location: 16q23.2.
Variant type: single nucleotide variant.
Coding change: c.1130A>G on transcript NM_016373.4 (MANE Select); coding-DNA position 1130, A replaced by G.
Protein change: p.Asn377Ser; replaces asparagine 377 with serine.
Molecular consequence: missense variant.
Genome position (GRCh38, 1-based): chr16:79,211,681, A>G. VCF-style: chr16-79211681-A-G. GRCh37 (hg19) VCF-style: chr16-79245578-A-G.
Other names: c.791A>G, p.Asn264Ser (NM_001291997.2); short protein forms N264S, N377S.
Identifiers: ClinVar variation 2946373 (VCV002946373.3), dbSNP rs2544383722, ClinGen allele CA396537111.